The following is an entry in ClinVar:

ClinVar aggregate classification (germline): Likely benign. Review status: criteria provided, multiple submitters, no conflicts (2 of 4 stars). 2 submissions from 2 submitters: Likely benign (2). Last evaluated 2026-10-01.

Allele frequency attached by ClinVar (database versions not stated): ExAC 0.00004; gnomAD 0.00007; TOPMed 0.00008.

Submissions (2):

CeGaT Center for Human Genetics Tuebingen
Classification: Likely benign. Last evaluated: 2026-10-01. Review status: criteria provided, single submitter. Criteria: CeGaT Center For Human Genetics Tuebingen Variant Classification Criteria Version 2. Collection method: clinical testing. Allele origin: germline. Affected: yes. Observed: 1 variant allele.
Comment: COQ8B: BP4, BP7

Labcorp Genetics (formerly Invitae), Labcorp
Classification: Likely benign. Last evaluated: 2026-01-19. Review status: criteria provided, single submitter. Criteria: Invitae Variant Classification Sherloc (09022015). Collection method: clinical testing. Allele origin: germline.

NM_024876.4(COQ8B):c.705C>T (p.Ala235=)

Gene: COQ8B (coenzyme Q8B; minus strand). Cytogenetic location: 19q13.2.
Variant type: single nucleotide variant.
Coding change: c.705C>T on transcript NM_024876.4 (MANE Select); coding-DNA position 705, C replaced by T.
Protein change: p.Ala235=; no amino-acid change (alanine 235 retained).
Molecular consequence: synonymous variant.
Genome position (GRCh38, 1-based): chr19:40,703,727, G>A on the plus strand (C>T on the coding strand, the complement: COQ8B is on the minus strand). VCF-style: chr19-40703727-G-A. GRCh37 (hg19) VCF-style: chr19-41209632-G-A.
Other names: c.582C>T, p.Ala194= (NM_001142555.3).
Identifiers: ClinVar variation 2197152 (VCV002197152.5), dbSNP rs752552252, ClinGen allele CA9450327.